The following is an entry in ClinVar:

ClinVar aggregate classification (germline): Pathogenic (1 of 4 stars; one submission).

Conditions:
Cardiovascular phenotype. Identifiers: MedGen CN230736.

Submission:

Ambry Genetics
Classification: Pathogenic for Cardiovascular phenotype. Last evaluated: 2016-08-19. Review status: criteria provided, single submitter. Criteria: Ambry Variant Classification Scheme 2023. Collection method: clinical testing. Allele origin: germline.
Comment: The c.878delC pathogenic mutation, located in coding exon 7 of the ENG gene, results from a deletion of one nucleotide at position 878, causing a translational frameshift with a predicted alternate stop codon (p.P293Qfs*66). This alteration is expected to result in loss of function by premature protein truncation or nonsense-mediated mRNA decay. As such, this alteration is interpreted as a disease-causing mutation.

NM_001114753.3(ENG):c.878del (p.Pro293fs)

Gene: ENG (endoglin; minus strand). Cytogenetic location: 9q34.11.
Variant type: Deletion.
Coding change: c.878del on transcript NM_001114753.3 (MANE Select); coding-DNA position 878, one base deleted (C; older notation c.878delC).
Protein change: p.Pro293fs; shifts the reading frame from proline 293.
Molecular consequence: frameshift variant.
Genome position (GRCh38, 1-based): chr9:127,824,913, G deleted on the plus strand (C on the coding strand, the reverse complement: ENG is on the minus strand); the first of 3 consecutive G bases (chr9:127,824,913-127,824,915); deleting any one gives the same sequence. VCF-style (leftmost placement, unchanged base first): chr9-127824912-TG-T. GRCh37 (hg19) VCF-style: chr9-130587191-TG-T.
Other names: c.876delC, p.Pro293Glnfs (NM_000118.4, NM_001406715.1); c.332del, p.Pro111fs (NM_001278138.2); short protein forms P111fs, P293fs.
Identifiers: ClinVar variation 1764661 (VCV001764661.2), dbSNP rs2539073111, ClinGen allele CA2580079640.